The following is an entry in ClinVar:

ClinVar aggregate classification (germline): Uncertain significance (1 of 4 stars; one submission).

Submission:

Labcorp Genetics (formerly Invitae), Labcorp
Classification: Uncertain significance. Last evaluated: 2022-06-26. Review status: criteria provided, single submitter. Criteria: Invitae Variant Classification Sherloc (09022015). Collection method: clinical testing. Allele origin: germline.
Comment: In summary, the available evidence is currently insufficient to determine the role of this variant in disease. Therefore, it has been classified as a Variant of Uncertain Significance. Experimental studies and prediction algorithms are not available or were not evaluated, and the functional significance of this variant is currently unknown. This variant has not been reported in the literature in individuals affected with EYS-related conditions. Information on the frequency of this variant in the gnomAD database is not available, as this variant may be reported differently in the database. This sequence change replaces phenylalanine, which is neutral and non-polar, with leucine, which is neutral and non-polar, at codon 206 of the EYS protein (p.Phe206Leu).

NM_001142800.2(EYS):c.615_616delinsCC (p.Phe206Leu)

Gene: EYS (EGF-like photoreceptor maintenance factor; minus strand). Cytogenetic location: 6q12.
Variant type: Indel.
Coding change: c.615_616delinsCC on transcript NM_001142800.2 (MANE Select); coding-DNA positions 615 to 616, AT replaced by CC.
Protein change: p.Phe206Leu; replaces phenylalanine 206 with leucine.
Molecular consequence: missense variant.
Genome position (GRCh38, 1-based): chr6:65,494,795-65,494,796, AT replaced by GG on the plus strand (AT replaced by CC on the coding strand, the reverse complement: EYS is on the minus strand). VCF-style: chr6-65494795-AT-GG. GRCh37 (hg19) VCF-style: chr6-66204688-AT-GG.
Other names: c.615_616delinsCC, p.Phe206Leu (NM_001142801.2, NM_001292009.2, NM_198283.2); short protein forms F206L.
Identifiers: ClinVar variation 1477325 (VCV001477325.6), dbSNP rs2127270983, ClinGen allele CA2573141046.
Genomic context (GRCh38, chr6:65,494,795, plus strand): 5'-CATTATTTTTACATGGTTTAAAAGAACATGCATCAAGTTCCTGGCAGTATTTTCCAGAAA[AT>GG]GGAGGCTGGCAATGGCAGCTATATGTCTTGCTCCAAGCTTCACTAAGACATTTACCATGA-3'
Protein context (NP_001136272.1, residues 196-216): KTYSCHCQPP[Phe206Leu]SGKYCQELDA